The following is an entry in ClinVar:

NM_175914.5(HNF4A):c.1310C>G (p.Pro437Arg)

Gene: HNF4A (hepatocyte nuclear factor 4 alpha; plus strand). Cytogenetic location: 20q13.12.
Variant type: single nucleotide variant.
Coding change: c.1310C>G on transcript NM_175914.5 (MANE Select); coding-DNA position 1310, C replaced by G.
Protein change: p.Pro437Arg; replaces proline 437 with arginine.
Molecular consequence: missense variant.
Genome position (GRCh38, 1-based): chr20:44,429,616, C>G. VCF-style: chr20-44429616-C-G. GRCh37 (hg19) VCF-style: chr20-43058256-C-G.
Other names: NM_175914.5(HNF4A):c.1310C>G; p.Pro437Arg; c.1280C>G, p.Pro427Arg (NM_001030003.3); c.1355C>G, p.Pro452Arg (NM_001258355.2); c.1271C>G, p.Pro424Arg (NM_001287182.2); c.1301C>G, p.Pro434Arg (NM_001287183.2); c.1346C>G, p.Pro449Arg (NM_178849.3); c.1376C>G, p.Pro459Arg (NM_000457.6); and 1 more; short protein forms P449R, P459R, P424R, P434R, P427R, P437R, P452R.
Identifiers: ClinVar variation 3664830 (VCV003664830.4).

ClinVar aggregate classification (germline): Uncertain significance. Review status: reviewed by expert panel (3 of 4 stars). 3 submissions from 3 submitters: Uncertain significance (1). 2 of the submissions do not count toward it. Last evaluated 2026-01-07.

Conditions:
Monogenic diabetes. Identifiers: Orphanet 183625, MedGen C3888631, MONDO:0015967.

Submissions (3):

ClinGen Monogenic Diabetes Variant Curation Expert Panel
Classification: Uncertain significance for Monogenic diabetes. Last evaluated: 2026-01-07. Review status: reviewed by expert panel. Criteria: ClinGen Diabetes ACMG Specifications HNF4A V4.0.0. Collection method: curation. Allele origin: germline. Inheritance: Autosomal dominant inheritance.
Comment: The c.1310C>G variant in the hepatocyte nuclear factor 4-alpha gene, HNF4A, causes an amino acid change of proline to arginine at codon 437 (p.(Pro437Arg)) of NM_175914.5. This variant is absent from gnomAD v4.1.0 (PM2_Supporting). This variant is predicted to be benign by computational evidence, with a REVEL score of 0.146, which is less than or equal to the MDEP threshold of 0.15 (BP4). However, it was identified in an individual with a clinical history highly specific for HNF4A-monogenic diabetes (MODY probability calculator result >50%, negative genetic testing for HNF1A, and negative antibodies) (PP4_Moderate; internal lab contributors). Another missense variant at the same residue, c.1310C>T (p.Pro437Leu), has been classified as likely pathogenic by the ClinGen MDEP (PM5_Supporting). In summary, c.1310C>G meets the criteria to be classified as a variant of uncertain significance for monogenic diabetes. ACMG/AMP criteria applied, as specified by the ClinGen MDEP (specification version 4.0.0, approved 10/10/2025): PP4_Moderate, PM2_Supporting, PM5_Supporting, BP4.

GeneDx
Classification: Uncertain significance. Last evaluated: 2025-06-18. Review status: criteria provided, single submitter. Criteria: GeneDx Variant Classification Process June 2021. Collection method: clinical testing. Allele origin: germline. Affected: yes. Not counted in ClinVar's aggregate classification.
Comment: Not observed at significant frequency in large population cohorts (gnomAD); In silico analysis suggests that this missense variant does not alter protein structure/function; Has not been previously published as pathogenic or benign to our knowledge

Labcorp Genetics (formerly Invitae), Labcorp
Classification: Uncertain significance. Last evaluated: 2024-12-30. Review status: criteria provided, single submitter. Criteria: Invitae Variant Classification Sherloc (09022015). Collection method: clinical testing. Allele origin: germline. Not counted in ClinVar's aggregate classification.
Comment: This sequence change replaces proline, which is neutral and non-polar, with arginine, which is basic and polar, at codon 437 of the HNF4A protein (p.Pro437Arg). This variant is not present in population databases (gnomAD no frequency). This variant has not been reported in the literature in individuals affected with HNF4A-related conditions. Invitae Evidence Modeling of protein sequence and biophysical properties (such as structural, functional, and spatial information, amino acid conservation, physicochemical variation, residue mobility, and thermodynamic stability) has been performed for this missense variant. However, the output from this modeling did not meet the statistical confidence thresholds required to predict the impact of this variant on HNF4A protein function. In summary, the available evidence is currently insufficient to determine the role of this variant in disease. Therefore, it has been classified as a Variant of Uncertain Significance.